The following is an entry in ClinVar:

ClinVar aggregate classification (germline): Benign/Likely benign. Review status: criteria provided, multiple submitters, no conflicts (2 of 4 stars). 8 submissions from 8 submitters: Benign (3); Likely benign (2). 3 of the submissions do not count toward it. Last evaluated 2026-02-02.

Conditions:
ALG13-related disorder. Also called: ALG13-related condition.
Developmental and epileptic encephalopathy, 36 (DEE36). Also called: Congenital disorder of glycosylation, type Is; Epileptic encephalopathy, early infantile, 36; ALG13-CDG. Identifiers: Orphanet 324422, MedGen C4317295, MONDO:0010472, OMIM 300884.
Inborn genetic diseases. Identifiers: MedGen C0950123, MeSH D030342.

Allele frequency attached by ClinVar (database versions not stated): 1000 Genomes Project 0.00053; 1000 Genomes Project 30x 0.00062; gnomAD exomes 0.00064 and 0.00134; TOPMed 0.00074; ExAC 0.00087; gnomAD 0.00088 and 0.00089; ESP Exome Variant Server 0.00135.
gnomAD v4.1: 1,554 of 1,206,161 alleles (0.13%); highest among the groups gnomAD compares: Non-Finnish European, 0.16%; 2 homozygotes.

Submissions (8):

Labcorp Genetics (formerly Invitae), Labcorp
Classification: Benign for Developmental and epileptic encephalopathy, 36. Last evaluated: 2026-02-02. Review status: criteria provided, single submitter. Criteria: Invitae Variant Classification Sherloc (09022015). Collection method: clinical testing. Allele origin: germline.

Blueprint Genetics
Classification: Likely benign. Last evaluated: 2024-09-25. Review status: criteria provided, single submitter. Criteria: ACMG Guidelines, 2015. Collection method: clinical testing. Allele origin: germline.

Genome-Nilou Lab
Classification: Benign for Developmental and epileptic encephalopathy, 36. Last evaluated: 2021-12-05. Review status: criteria provided, single submitter. Criteria: ACMG Guidelines, 2015. Collection method: clinical testing. Allele origin: germline. Affected: no.

GeneDx
Classification: Likely benign. Last evaluated: 2021-03-24. Review status: criteria provided, single submitter. Criteria: GeneDx Variant Classification Process June 2021. Collection method: clinical testing. Allele origin: germline. Affected: yes.

Ambry Genetics
Classification: Benign for Inborn genetic diseases. Last evaluated: 2018-05-21. Review status: criteria provided, single submitter. Criteria: Ambry Variant Classification Scheme 2023. Collection method: clinical testing. Allele origin: germline.

PreventionGenetics, part of Exact Sciences
Classification: Benign for ALG13-related condition. Last evaluated: 2023-05-06. Review status: no assertion criteria provided. Collection method: clinical testing. Allele origin: germline. Not counted in ClinVar's aggregate classification.
Comment: This variant is classified as benign based on ACMG/AMP sequence variant interpretation guidelines (Richards et al. 2015 PMID: 25741868, with internal and published modifications).

Clinical Genetics DNA and cytogenetics Diagnostics Lab, Erasmus MC, Erasmus Medical Center
Classification: Likely benign. Review status: no assertion criteria provided. Collection method: clinical testing. Allele origin: germline. Affected: yes. Study: VKGL Data-share Consensus. Not counted in ClinVar's aggregate classification.

Genome Diagnostics Laboratory, University Medical Center Utrecht
Classification: Likely benign. Review status: no assertion criteria provided. Collection method: clinical testing. Allele origin: germline. Affected: yes. Study: VKGL Data-share Consensus. Not counted in ClinVar's aggregate classification.

NM_001099922.3(ALG13):c.3414A>C (p.Ter1138Tyr)

Gene: ALG13 (ALG13 UDP-N-acetylglucosaminyltransferase subunit; plus strand). Cytogenetic location: Xq23.
Variant type: single nucleotide variant.
Coding change: c.3414A>C on transcript NM_001099922.3 (MANE Select); coding-DNA position 3414, A replaced by C.
Protein change: p.Ter1138Tyr.
Molecular consequence: stop lost. On other transcripts: non-coding transcript variant (1).
Genome position (GRCh38, 1-based): chrX:111,759,999, A>C. VCF-style: chrX-111759999-A-C. GRCh37 (hg19) VCF-style: chrX-111003227-A-C.
Other names: *1138Y; *955Y; *1060Y; *897Y; *1059Y; c.2865A>C, p.Ter955Tyr (NM_001257230.2, NM_001257234.2, NM_001257237.2); c.3180A>C, p.Ter1060Tyr (NM_001257231.2); c.3177A>C, p.Ter1059Tyr (NM_001324292.2); and 1 more.
Identifiers: ClinVar variation 377466 (VCV000377466.22), dbSNP rs201820102, ClinGen allele CA10494088.